The following is an entry in ClinVar:

NM_001184900.3(CARD8):c.1217A>G (p.Tyr406Cys)

Gene: CARD8 (caspase recruitment domain family member 8; minus strand). Cytogenetic location: 19q13.33.
Variant type: single nucleotide variant.
Coding change: c.1217A>G on transcript NM_001184900.3 (MANE Select); coding-DNA position 1217, A replaced by G.
Protein change: p.Tyr406Cys; replaces tyrosine 406 with cysteine.
Molecular consequence: missense variant. On other transcripts: non-coding transcript variant (2), intron variant (7).
Genome position (GRCh38, 1-based): chr19:48,218,957, T>C on the plus strand (A>G on the coding strand, the complement: CARD8 is on the minus strand). VCF-style: chr19-48218957-T-C. GRCh37 (hg19) VCF-style: chr19-48722214-T-C.
Other names: c.1067A>G, p.Tyr356Cys (NM_001184901.1, NM_001351783.2, NM_014959.5); c.1217A>G, p.Tyr406Cys (NM_001351782.2); c.902A>G, p.Tyr301Cys (NM_001351784.2, NM_001351787.2); c.881A>G, p.Tyr294Cys (NM_001351786.2); c.899A>G, p.Tyr300Cys (NM_001365950.1); c.846+2773A>G (NM_001351791.2, NM_001351792.2); c.1011+2773A>G (NM_001351788.2, NM_001351789.2); c.918+2773A>G (NM_001351790.2); and 1 more; short protein forms Y294C, Y356C, Y406C, Y301C, Y300C.
Identifiers: ClinVar variation 2054670 (VCV002054670.6), dbSNP rs369625179, ClinGen allele CA9547763.

ClinVar aggregate classification (germline): Uncertain significance. Review status: criteria provided, multiple submitters, no conflicts (2 of 4 stars). 2 submissions from 2 submitters: Uncertain significance (2). Last evaluated 2025-09-02.

Allele frequency attached by ClinVar (database versions not stated): gnomAD exomes 0.00003; ExAC 0.00004; gnomAD 0.00004; TOPMed 0.00006; ESP Exome Variant Server 0.00008; 1000 Genomes Project 0.00020; 1000 Genomes Project 30x 0.00031.
gnomAD v4.1: 54 of 1,613,846 alleles (0.0033%); highest among the groups gnomAD compares: Admixed American, 0.02%; no homozygotes.

Submissions (2):

Labcorp Genetics (formerly Invitae), Labcorp
Classification: Uncertain significance. Last evaluated: 2025-09-02. Review status: criteria provided, single submitter. Criteria: Invitae Variant Classification Sherloc (09022015). Collection method: clinical testing. Allele origin: germline.
Comment: This sequence change replaces tyrosine, which is neutral and polar, with cysteine, which is neutral and slightly polar, at codon 356 of the CARD8 protein (p.Tyr356Cys). This variant is present in population databases (rs369625179, gnomAD 0.02%). This variant has not been reported in the literature in individuals affected with CARD8-related conditions. ClinVar contains an entry for this variant (Variation ID: 2054670). An algorithm developed to predict the effect of missense changes on protein structure and function (PolyPhen-2) suggests that this variant is likely to be disruptive. In summary, the available evidence is currently insufficient to determine the role of this variant in disease. Therefore, it has been classified as a Variant of Uncertain Significance.

Ambry Genetics
Classification: Uncertain significance. Last evaluated: 2025-08-28. Review status: criteria provided, single submitter. Criteria: Ambry Variant Classification Scheme 2023. Collection method: clinical testing. Allele origin: germline.